The following is an entry in ClinVar:

ClinVar aggregate classification (germline): Benign. Review status: criteria provided, multiple submitters, no conflicts (2 of 4 stars). 2 submissions from 2 submitters: Benign (2). Last evaluated 2018-01-13.

Conditions:
Acrodysostosis 2 with or without hormone resistance. Also called: ACRODYSOSTOSIS 2 WITH HORMONE RESISTANCE; ACRODYSOSTOSIS 2 WITHOUT HORMONE RESISTANCE. Identifiers: Orphanet 280651, MedGen C3553250, MONDO:0013822, OMIM 614613.

Allele frequency attached by ClinVar (database versions not stated): TOPMed 0.15651; gnomAD 0.16122 and 0.16152; 1000 Genomes Project 0.16194; 1000 Genomes Project 30x 0.16505.

Submissions (2):

Illumina Laboratory Services, Illumina
Classification: Benign for Acrodysostosis 2 with or without hormone resistance. Last evaluated: 2018-01-13. Review status: criteria provided, single submitter. Criteria: ICSL Variant Classification Criteria 13 December 2019. Collection method: clinical testing. Allele origin: germline.
Comment: This variant was observed in the ICSL laboratory as part of a predisposition screen in an ostensibly healthy population. It had not been previously curated by ICSL or reported in the Human Gene Mutation Database (HGMD: prior to June 1st, 2018), and was therefore a candidate for classification through an automated scoring system. Utilizing variant allele frequency, disease prevalence and penetrance estimates, and inheritance mode, an automated score was calculated to assess if this variant is too frequent to cause the disease. Based on the score and internal cut-off values, a variant classified as benign is not then subjected to further curation. The score for this variant resulted in a classification of benign for this disease.

Breakthrough Genomics
Classification: Benign. Review status: criteria provided, single submitter. Criteria: ACMG Guidelines, 2015. Collection method: not provided. Allele origin: germline. Inheritance: Autosomal dominant inheritance. Affected: yes.

NM_001104631.2(PDE4D):c.*4915C>T

Gene: PDE4D (phosphodiesterase 4D; minus strand). Cytogenetic location: 5q11.2.
Variant type: single nucleotide variant.
Coding change: c.*4915C>T on transcript NM_001104631.2 (MANE Select); 4915 bases downstream of the stop codon, C replaced by T.
Molecular consequence: 3 prime UTR variant.
Genome position (GRCh38, 1-based): chr5:58,969,749, G>A on the plus strand (C>T on the coding strand, the complement: PDE4D is on the minus strand). VCF-style: chr5-58969749-G-A. GRCh37 (hg19) VCF-style: chr5-58265576-G-A.
Other names: c.*4915C>T (NM_001165899.2, NM_001197218.2, NM_001197219.2 and 11 more transcripts).
Identifiers: ClinVar variation 353917 (VCV000353917.6), dbSNP rs13160982, ClinGen allele CA10620606.